The following is an entry in ClinVar:

NM_000051.4(ATM):c.6232T>A (p.Ser2078Thr)

Genes: ATM (ATM serine/threonine kinase; plus strand), C11orf65 (chromosome 11 open reading frame 65; minus strand). Cytogenetic location: 11q22.3.
Variant type: single nucleotide variant.
Coding change: c.6232T>A on transcript NM_000051.4 (MANE Select); coding-DNA position 6232, T replaced by A.
Protein change: p.Ser2078Thr; replaces serine 2078 with threonine.
Molecular consequence: missense variant. On other transcripts: intron variant (2).
Genome position (GRCh38, 1-based): chr11:108,317,406, T>A. VCF-style: chr11-108317406-T-A. GRCh37 (hg19) VCF-style: chr11-108188133-T-A.
Other names: c.6232T>A, p.Ser2078Thr (NM_001351834.2); c.641-8335A>T (NM_001330368.2); c.*39-8335A>T (NM_001351110.2); short protein forms S2078T.
Identifiers: ClinVar variation 1717923 (VCV001717923.6), dbSNP rs587779854, ClinGen allele CA382551179.
Genomic context (GRCh38, chr11:108,317,406, plus strand): 5'-CTTAAAAACAAAATAACTCCTGTTTAGGCCTTGCAGAATTTGGGACTCTGCCATATTCTT[T>A]CCGTCTATTTAAAAGGATTGGATTATGAAAATAAAGACTGGTGTCCTGAACTAGAAGAAC-3'
Protein context (NP_000042.3, residues 2068-2088): LQNLGLCHIL[Ser2078Thr]VYLKGLDYEN

ClinVar aggregate classification (germline): Uncertain significance (1 of 4 stars; one submission).

Conditions:
Ataxia-telangiectasia syndrome (AT). Also called: Ataxia telangiectasia (A-T); LOUIS-BAR SYNDROME; Cerebello-oculocutaneous telangiectasia; Immunodeficiency with ataxia telangiectasia; Ataxia-telangiectasia, complementation group D; AT, COMPLEMENTATION GROUP C. Identifiers: Orphanet 100, MedGen C0004135, MONDO:0008840, OMIM 208900.

Submission:

Labcorp Genetics (formerly Invitae), Labcorp
Classification: Uncertain significance for Ataxia-telangiectasia syndrome. Last evaluated: 2022-08-24. Review status: criteria provided, single submitter. Criteria: Invitae Variant Classification Sherloc (09022015). Collection method: clinical testing. Allele origin: germline.
Comment: This sequence change replaces serine, which is neutral and polar, with threonine, which is neutral and polar, at codon 2078 of the ATM protein (p.Ser2078Thr). This variant is not present in population databases (gnomAD no frequency). This variant has not been reported in the literature in individuals affected with ATM-related conditions. Advanced modeling of protein sequence and biophysical properties (such as structural, functional, and spatial information, amino acid conservation, physicochemical variation, residue mobility, and thermodynamic stability) performed at Invitae indicates that this missense variant is not expected to disrupt ATM protein function. Algorithms developed to predict the effect of sequence changes on RNA splicing suggest that this variant may disrupt the consensus splice site. In summary, the available evidence is currently insufficient to determine the role of this variant in disease. Therefore, it has been classified as a Variant of Uncertain Significance.